The following is an entry in ClinVar:

ClinVar aggregate classification (germline): Pathogenic. Review status: criteria provided, multiple submitters, no conflicts (2 of 4 stars). 7 submissions from 7 submitters: Pathogenic (6). 1 of the submissions does not count toward it. Last evaluated 2026-04-21.

Conditions:
NOTCH3-related disorder. Also called: NOTCH3-related condition; NOTCH3-related disorders.
Cerebral arteriopathy, autosomal dominant, with subcortical infarcts and leukoencephalopathy, type 1 (CADASIL1). Also called: CASIL; Cerebral arteriopathy with subcortical infarcts and leukoencephalopathy 1; DEMENTIA, HEREDITARY MULTIINFARCT TYPE; CADASIL 1. Identifiers: Orphanet 136, MedGen C4551768, MONDO:0000914, OMIM 125310.

Allele frequency attached by ClinVar (database versions not stated): gnomAD exomes below 0.00001.
gnomAD v4.1: 1 of 1,611,980 alleles (0.000062%); highest among the groups gnomAD compares: Non-Finnish European, 0.000085%; no homozygotes.

Submissions (7):

PreventionGenetics, part of Exact Sciences
Classification: Pathogenic for NOTCH3-related condition. Last evaluated: 2026-04-21. Review status: criteria provided, single submitter. Criteria: ACMG Guidelines, 2015. Collection method: clinical testing. Allele origin: germline.
Comment: The NOTCH3 c.3016C>T variant is predicted to result in the amino acid substitution p.Arg1006Cys. This variant has been reported in individuals with CADASIL and is documented as an Italian founder variant (see, for example: Joutel et al. 1997. PubMed ID: 9388399; Cappelli et al. 2009. PubMed ID: 19576955; Bianchi et al. 2015. PubMed ID: 25344745). An experimental study indicated this variant did not impair signaling activity (Joutel et al. 2004. PubMed ID: 14714274). Most CADASIL-causing variants in the NOTCH3 gene result in the gain or loss of one or more cysteine residues in the extracellular domain of the protein. This variant alters a cysteine residue and is located in the extracellular EGF-like domain 26. Pathogenic variants in EGF-like domains 1-6 appear to be fully penetrant and are usually associated with the classical CADASIL phenotype. However, there is variability in disease severity. Pathogenic variants in EGF-like domains 7-34 have a much higher population frequency and can predispose to a milder small-vessel disease, possibly even displaying incomplete or at least very late onset complete penetrance (OMIM #125310; Rutten et al. 2016. PubMed ID: 27844030; Rutten et al. 2019. PubMed ID: 30032161). This variant has not been reported in a large population database (gnomAD), indicating it is rare. This variant is interpreted as pathogenic.

Labcorp Genetics (formerly Invitae), Labcorp
Classification: Pathogenic. Last evaluated: 2025-08-18. Review status: criteria provided, single submitter. Criteria: Invitae Variant Classification Sherloc (09022015). Collection method: clinical testing. Allele origin: germline.
Comment: This sequence change replaces arginine, which is basic and polar, with cysteine, which is neutral and slightly polar, at codon 1006 of the NOTCH3 protein (p.Arg1006Cys). This variant is not present in population databases (gnomAD no frequency). This missense change has been observed in individuals with cerebral arteriopathy with subcortical infarcts and leukoencephalopathy 1 (PMID: 9388399, 15834039, 19576955, 23412372, 33020014). It has also been observed to segregate with disease in related individuals. This variant is also known as C3094T. ClinVar contains an entry for this variant (Variation ID: 447823). Invitae Evidence Modeling of protein sequence and biophysical properties (such as structural, functional, and spatial information, amino acid conservation, physicochemical variation, residue mobility, and thermodynamic stability) has been performed for this missense variant. However, the output from this modeling did not meet the statistical confidence thresholds required to predict the impact of this variant on NOTCH3 protein function. Experimental studies are conflicting or provide insufficient evidence to determine the effect of this variant on NOTCH3 function (PMID: 14714274). For these reasons, this variant has been classified as Pathogenic.

Mayo Clinic Laboratories, Mayo Clinic
Classification: Pathogenic. Last evaluated: 2025-04-18. Review status: criteria provided, single submitter. Criteria: ACMG Guidelines, 2015. Collection method: clinical testing. Allele origin: germline. Observed: 1 variant allele.
Comment: PP1_strong, PP2, PM1, PM2_supporting, PS4

ARUP Laboratories, Molecular Genetics and Genomics, ARUP Laboratories
Classification: Pathogenic. Last evaluated: 2023-11-01. Review status: criteria provided, single submitter. Criteria: ARUP Molecular Germline Variant Investigation Process 2024. Collection method: clinical testing. Allele origin: germline.
Comment: The NOTCH3 c.3016C>T; p.Arg1006Cys variant (rs1555727942) is reported in the literature in several individuals affected with CADASIL (Cappelli 2009, Gonzalez 2020, Hu 2021, Joutel 1997, Ni 2022). This variant is also reported in ClinVar (Variation ID: 447823), but is absent from the Genome Aggregation Database, indicating it is not a common polymorphism. Computational analyses are uncertain whether this variant is neutral or deleterious (REVEL: 0.569). However, most pathogenic NOTCH3 variants occur in exons 2-24 and either create or destroy a cysteine residue within an EGF-like domain (Rutten 2014), and thus this variant is consistent with the predominant mechanism of disease in NOTCH3. Based on available information, this variant is considered to be pathogenic. References: Cappelli A et al. High recurrence of the R1006C NOTCH3 mutation in central Italian patients with cerebral autosomal dominant arteriopathy with subcortical infarcts and leukoencephalopathy (CADASIL). Neurosci Lett. 2009 Sep 22;462(2):176-8. PMID: 19576955. Gonzalez F et al. Non-convulsive status epilepticus as the initial manifestation in a family with cerebral autosomal dominant arteriopathy with subcortical infarcts and leukoencephalopathy (CADASIL). Neurologia (Engl Ed). 2020 Oct 2:S0213-4853(20)30214-0. English, Spanish. PMID: 33020014. Hu Y et al. NOTCH3 Variants and Genotype-Phenotype Features in Chinese CADASIL Patients. Front Genet. 2021 Jul 15;12:705284. PMID: 34335700. Joutel A et al. Strong clustering and stereotyped nature of Notch3 mutations in CADASIL patients. Lancet. 1997 Nov 22;350(9090):1511-5. PMID: 9388399. Ni W et al. Genetic spectrum of NOTCH3 and clinical phenotype of CADASIL patients in different populations. CNS Neurosci Ther. 2022 Nov;28(11):1779-1789. PMID: 35822697. Rutten JW et al. Interpretation of NOTCH3 mutations in the diagnosis of CADASIL. Expert Rev Mol Diagn. 2014 Jun;14(5):593-603. PMID: 24844136.

Blueprint Genetics
Classification: Pathogenic for NOTCH3-related disorders. Last evaluated: 2023-06-22. Review status: criteria provided, single submitter. Criteria: ACMG Guidelines, 2015. Collection method: clinical testing. Allele origin: germline. Affected: yes. Observed: 2 variant alleles.

Athena Diagnostics
Classification: Pathogenic. Last evaluated: 2023-05-10. Review status: criteria provided, single submitter. Criteria: Athena Diagnostics Criteria. Collection method: clinical testing. Allele origin: unknown.
Comment: This variant has been identified in multiple unrelated individuals with CADASIL. This variant has not been reported in large, multi-ethnic general populations. In some published literature, this variant is referred to as c.3094C>T; p.Arg1006Cys. This variant alters a critical location within the protein, and is expected to severely affect function and cause disease. Greater than 90% of NOTCH3 pathogenic variants associated with CADASIL involve the gain or loss of a cysteine residue within the epidermal growth factor (EGF)-like repeat domain (PMID: 32457593, 20301673).

GeneReviews
No classification provided. Condition: Cerebral arteriopathy, autosomal dominant, with subcortical infarcts and leukoencephalopathy, type 1. Review status: no classification provided. Collection method: literature only. Allele origin: germline. Not counted in ClinVar's aggregate classification.

Literature cited by the submitters: PubMed 9388399 (cited by 3 submitters); PubMed 15834039 (cited by 3 submitters); PubMed 19576955 (cited by 3 submitters); PubMed 23412372 (cited by 3 submitters); PubMed 33020014 (cited by Labcorp Genetics (formerly Invitae), Labcorp); PubMed 14714274 (cited by 3 submitters); PubMed 21616505 (cited by Mayo Clinic Laboratories, Mayo Clinic); PubMed 25344745 (cited by 3 submitters); PubMed 26850715 (cited by Mayo Clinic Laboratories, Mayo Clinic and Athena Diagnostics); PubMed 34335700 (cited by Mayo Clinic Laboratories, Mayo Clinic and Athena Diagnostics); PubMed 35822697 (cited by Mayo Clinic Laboratories, Mayo Clinic and Athena Diagnostics); PubMed 36402400 (cited by Mayo Clinic Laboratories, Mayo Clinic and Athena Diagnostics); PubMed 36479049 (cited by Mayo Clinic Laboratories, Mayo Clinic and Athena Diagnostics); PubMed 25973016 (cited by Athena Diagnostics); PubMed 25870235 (cited by Athena Diagnostics); PubMed 20301673 (cited by GeneReviews).

NM_000435.3(NOTCH3):c.3016C>T (p.Arg1006Cys)

Gene: NOTCH3 (notch receptor 3; minus strand). Cytogenetic location: 19p13.12.
Variant type: single nucleotide variant.
Coding change: c.3016C>T on transcript NM_000435.3 (MANE Select); coding-DNA position 3016, C replaced by T.
Protein change: p.Arg1006Cys; replaces arginine 1006 with cysteine.
Molecular consequence: missense variant.
Genome position (GRCh38, 1-based): chr19:15,180,807, G>A on the plus strand (C>T on the coding strand, the complement: NOTCH3 is on the minus strand). VCF-style: chr19-15180807-G-A. GRCh37 (hg19) VCF-style: chr19-15291618-G-A.
Other names: Marche region of Italy founder variant; short protein forms R1006C.
Identifiers: ClinVar variation 447823 (VCV000447823.14), dbSNP rs1555727942, ClinGen allele CA404514381.